The following is an entry in ClinVar:

ClinVar aggregate classification (germline): Uncertain significance. Review status: criteria provided, multiple submitters, no conflicts (2 of 4 stars). 4 submissions from 4 submitters: Uncertain significance (4). Last evaluated 2025-11-01.

Conditions:
Alstrom syndrome (ALMS). Identifiers: Orphanet 64, MedGen C0268425, MONDO:0008763, OMIM 203800.
Cardiovascular phenotype. Identifiers: MedGen CN230736.

Allele frequency attached by ClinVar (database versions not stated): gnomAD exomes 0.00002; TOPMed 0.00003; gnomAD 0.00001; ExAC 0.00002.
gnomAD v4.1: 32 of 1,613,446 alleles (0.002%); highest among the groups gnomAD compares: Non-Finnish European, 0.0026%; no homozygotes.

Submissions (4):

CeGaT Center for Human Genetics Tuebingen
Classification: Uncertain significance. Last evaluated: 2025-11-01. Review status: criteria provided, single submitter. Criteria: CeGaT Center For Human Genetics Tuebingen Variant Classification Criteria Version 2. Collection method: clinical testing. Allele origin: germline. Affected: yes. Observed: 1 variant allele.
Comment: ALMS1: PM2:Supporting, BP4

Ambry Genetics
Classification: Uncertain significance for Cardiovascular phenotype. Last evaluated: 2025-09-23. Review status: criteria provided, single submitter. Criteria: Ambry Variant Classification Scheme 2023. Collection method: clinical testing. Allele origin: germline.
Comment: The p.Y123C variant (also known as c.368A>G), located in coding exon 2 of the ALMS1 gene, results from an A to G substitution at nucleotide position 368. The tyrosine at codon 123 is replaced by cysteine, an amino acid with highly dissimilar properties. This amino acid position is not well conserved in available vertebrate species. In addition, this alteration is predicted to be tolerated by in silico analysis. Based on the available evidence, the clinical significance of this variant remains unclear.

Labcorp Genetics (formerly Invitae), Labcorp
Classification: Uncertain significance for Alstrom syndrome. Last evaluated: 2024-01-22. Review status: criteria provided, single submitter. Criteria: Invitae Variant Classification Sherloc (09022015). Collection method: clinical testing. Allele origin: germline.
Comment: This sequence change replaces tyrosine, which is neutral and polar, with cysteine, which is neutral and slightly polar, at codon 123 of the ALMS1 protein (p.Tyr123Cys). This variant is present in population databases (rs757838184, gnomAD 0.004%). This variant has not been reported in the literature in individuals affected with ALMS1-related conditions. ClinVar contains an entry for this variant (Variation ID: 1408422). Experimental studies and prediction algorithms are not available or were not evaluated, and the functional significance of this variant is currently unknown. In summary, the available evidence is currently insufficient to determine the role of this variant in disease. Therefore, it has been classified as a Variant of Uncertain Significance.

Fulgent Genetics
Classification: Uncertain significance for Alstrom syndrome. Last evaluated: 2022-03-17. Review status: criteria provided, single submitter. Criteria: ACMG Guidelines, 2015. Collection method: clinical testing. Allele origin: unknown.

NM_001378454.1(ALMS1):c.365A>G (p.Tyr122Cys)

Gene: ALMS1 (ALMS1 centrosome and basal body associated protein; plus strand). Cytogenetic location: 2p13.1.
Variant type: single nucleotide variant.
Coding change: c.365A>G on transcript NM_001378454.1 (MANE Select); coding-DNA position 365, A replaced by G.
Protein change: p.Tyr122Cys; replaces tyrosine 122 with cysteine.
Molecular consequence: missense variant.
Genome position (GRCh38, 1-based): chr2:73,408,662, A>G. VCF-style: chr2-73408662-A-G. GRCh37 (hg19) VCF-style: chr2-73635790-A-G.
Other names: c.368A>G, p.Tyr123Cys (NM_015120.4); short protein forms Y123C, Y122C.
Identifiers: ClinVar variation 1408422 (VCV001408422.11), dbSNP rs757838184, ClinGen allele CA1712821.
Genomic context (GRCh38, chr2:73,408,662, plus strand): 5'-AGCCTGCTTTTGATTTTCAGATTGTTCCATTGACCTGTCATGTATGGCAACAGATAGTAT[A>G]TCAAGGCAATAGTAGAACACAAATTTCTGATACTAATGTGGTCTGTTTGGAAACAACAGC-3'
Protein context (NP_001365383.1, residues 112-132): LTCHVWQQIV[Tyr122Cys]QGNSRTQISD